The following is an entry in ClinVar:

ClinVar aggregate classification (germline): Uncertain significance (1 of 4 stars; one submission).

Allele frequency attached by ClinVar (database versions not stated): gnomAD exomes below 0.00001.
gnomAD v4.1: 3 of 1,606,838 alleles (0.00019%); highest among the groups gnomAD compares: African/African-American, 0.0013%; no homozygotes.

Submission:

Labcorp Genetics (formerly Invitae), Labcorp
Classification: Uncertain significance. Last evaluated: 2025-04-30. Review status: criteria provided, single submitter. Criteria: Invitae Variant Classification Sherloc (09022015). Collection method: clinical testing. Allele origin: germline.
Comment: This sequence change replaces glycine, which is neutral and non-polar, with alanine, which is neutral and non-polar, at codon 1216 of the COL11A1 protein (p.Gly1216Ala). This variant is not present in population databases (gnomAD no frequency). This missense change has been observed in individual(s) with clinical features of Stickler syndrome (PMID: 25240749). ClinVar contains an entry for this variant (Variation ID: 1467832). Invitae Evidence Modeling of protein sequence and biophysical properties (such as structural, functional, and spatial information, amino acid conservation, physicochemical variation, residue mobility, and thermodynamic stability) indicates that this missense variant is expected to disrupt COL11A1 protein function with a positive predictive value of 80%. In summary, the available evidence is currently insufficient to determine the role of this variant in disease. Therefore, it has been classified as a Variant of Uncertain Significance.

Literature cited by the submitters: PubMed 25240749.

NM_001854.4(COL11A1):c.3647G>C (p.Gly1216Ala)

Gene: COL11A1 (collagen type XI alpha 1 chain; minus strand). Cytogenetic location: 1p21.1.
Variant type: single nucleotide variant.
Coding change: c.3647G>C on transcript NM_001854.4 (MANE Select); coding-DNA position 3647, G replaced by C.
Protein change: p.Gly1216Ala; replaces glycine 1216 with alanine.
Molecular consequence: missense variant. On other transcripts: non-coding transcript variant (1).
Genome position (GRCh38, 1-based): chr1:102,923,343, C>G on the plus strand (G>C on the coding strand, the complement: COL11A1 is on the minus strand). VCF-style: chr1-102923343-C-G. GRCh37 (hg19) VCF-style: chr1-103388899-C-G.
Other names: c.3530G>C, p.Gly1177Ala (NM_001190709.2); c.3683G>C, p.Gly1228Ala (NM_080629.3); c.3299G>C, p.Gly1100Ala (NM_080630.4); short protein forms G1216A, G1228A, G1177A, G1100A.
Identifiers: ClinVar variation 1467832 (VCV001467832.8), dbSNP rs1570740272, ClinGen allele CA341164474.